The following is an entry in ClinVar:

ClinVar aggregate classification (germline): Uncertain significance (1 of 4 stars; one submission).

Submission:

GeneDx
Classification: Uncertain significance. Last evaluated: 2024-03-29. Review status: criteria provided, single submitter. Criteria: GeneDx Variant Classification Process June 2021. Collection method: clinical testing. Allele origin: germline. Affected: yes.
Comment: Not observed at significant frequency in large population cohorts (gnomAD); In silico analysis supports that this missense variant has a deleterious effect on protein structure/function; Has not been previously published as pathogenic or benign to our knowledge

NM_015557.3(CHD5):c.3469C>T (p.Arg1157Cys)

Gene: CHD5 (chromodomain helicase DNA binding protein 5; minus strand). Cytogenetic location: 1p36.31.
Variant type: single nucleotide variant.
Coding change: c.3469C>T on transcript NM_015557.3 (MANE Select); coding-DNA position 3469, C replaced by T.
Protein change: p.Arg1157Cys; replaces arginine 1157 with cysteine.
Molecular consequence: missense variant.
Genome position (GRCh38, 1-based): chr1:6,128,988, G>A on the plus strand (C>T on the coding strand, the complement: CHD5 is on the minus strand). VCF-style: chr1-6128988-G-A. GRCh37 (hg19) VCF-style: chr1-6189048-G-A.
Other names: short protein forms R1157C.
Identifiers: ClinVar variation 3371238 (VCV003371238.1).